The following is an entry in ClinVar:

ClinVar aggregate classification (germline): Likely benign. Review status: criteria provided, multiple submitters, no conflicts (2 of 4 stars). 4 submissions from 4 submitters: Likely benign (4). Last evaluated 2025-11-23.

Conditions:
COL2A1-related disorder. Also called: COL2A1-related condition; COL2A1-related disorders.

Allele frequency attached by ClinVar (database versions not stated): ExAC 0.00003; gnomAD exomes 0.00003 and 0.00004; TOPMed 0.00003; gnomAD 0.00004 and 0.00005; 1000 Genomes Project 30x 0.00016; 1000 Genomes Project 0.00020.
gnomAD v4.1: 64 of 1,613,642 alleles (0.004%); highest among the groups gnomAD compares: Admixed American, 0.013%; 1 homozygote.

Submissions (4):

Labcorp Genetics (formerly Invitae), Labcorp
Classification: Likely benign. Last evaluated: 2025-11-23. Review status: criteria provided, single submitter. Criteria: Invitae Variant Classification Sherloc (09022015). Collection method: clinical testing. Allele origin: germline.

PreventionGenetics, part of Exact Sciences
Classification: Likely benign for COL2A1-related condition. Last evaluated: 2025-04-18. Review status: criteria provided, single submitter. Criteria: ACMG Guidelines, 2015. Collection method: clinical testing. Allele origin: germline.
Comment: This variant is classified as likely benign based on ACMG/AMP sequence variant interpretation guidelines (Richards et al. 2015 PMID: 25741868, with internal and published modifications).

Blueprint Genetics
Classification: Likely benign. Last evaluated: 2022-09-06. Review status: criteria provided, single submitter. Criteria: ACMG Guidelines, 2015. Collection method: clinical testing. Allele origin: germline.

GeneDx
Classification: Likely benign. Last evaluated: 2020-04-20. Review status: criteria provided, single submitter. Criteria: GeneDx Variant Classification Process June 2021. Collection method: clinical testing. Allele origin: germline. Affected: yes.

NM_001844.5(COL2A1):c.3234C>T (p.Pro1078=)

Gene: COL2A1 (collagen type II alpha 1 chain; minus strand). Cytogenetic location: 12q13.11.
Variant type: single nucleotide variant.
Coding change: c.3234C>T on transcript NM_001844.5 (MANE Select); coding-DNA position 3234, C replaced by T.
Protein change: p.Pro1078=; no amino-acid change (proline 1078 retained).
Molecular consequence: synonymous variant.
Genome position (GRCh38, 1-based): chr12:47,977,359, G>A on the plus strand (C>T on the coding strand, the complement: COL2A1 is on the minus strand). VCF-style: chr12-47977359-G-A. GRCh37 (hg19) VCF-style: chr12-48371142-G-A.
Other names: c.3027C>T, p.Pro1009= (NM_033150.3).
Identifiers: ClinVar variation 1124063 (VCV001124063.13), dbSNP rs554016564, ClinGen allele CA6534832.